The following is an entry in ClinVar:

NM_058163.3(TSR2):c.516G>C (p.Gln172His)

Gene: TSR2 (TSR2 ribosome maturation factor; plus strand). Cytogenetic location: Xp11.22.
Variant type: single nucleotide variant.
Coding change: c.516G>C on transcript NM_058163.3 (MANE Select); coding-DNA position 516, G replaced by C.
Protein change: p.Gln172His; replaces glutamine 172 with histidine.
Molecular consequence: missense variant.
Genome position (GRCh38, 1-based): chrX:54,444,490, G>C. VCF-style: chrX-54444490-G-C. GRCh37 (hg19) VCF-style: chrX-54470923-G-C.
Other names: c.507G>C, p.Gln169His (NM_001346789.2); c.231G>C, p.Gln77His (NM_001346790.2, NM_001346791.2, NM_001346792.2); short protein forms Q172H, Q77H, Q169H.
Identifiers: ClinVar variation 2781093 (VCV002781093.3), dbSNP rs1922048480, ClinGen allele CA413357534.

ClinVar aggregate classification (germline): Uncertain significance (1 of 4 stars; one submission).

Allele frequency attached by ClinVar (database versions not stated): gnomAD exomes below 0.00001; TOPMed below 0.00001; gnomAD 0.00002.
gnomAD v4.1: 8 of 1,209,195 alleles (0.00066%); highest among the groups gnomAD compares: South Asian, 0.0088%; no homozygotes.

Submission:

Labcorp Genetics (formerly Invitae), Labcorp
Classification: Uncertain significance. Last evaluated: 2024-02-23. Review status: criteria provided, single submitter. Criteria: Invitae Variant Classification Sherloc (09022015). Collection method: clinical testing. Allele origin: germline.
Comment: This sequence change replaces glutamine, which is neutral and polar, with histidine, which is basic and polar, at codon 172 of the TSR2 protein (p.Gln172His). This variant is not present in population databases (gnomAD no frequency). This variant has not been reported in the literature in individuals affected with TSR2-related conditions. An algorithm developed to predict the effect of missense changes on protein structure and function (PolyPhen-2) suggests that this variant is likely to be disruptive. In summary, the available evidence is currently insufficient to determine the role of this variant in disease. Therefore, it has been classified as a Variant of Uncertain Significance.